The following is an entry in ClinVar:

NC_000017.10:g.(?_12920159)_(12920458_?)del

Gene: ELAC2 (elaC ribonuclease Z 2; minus strand). Cytogenetic location: 17p12.
Variant type: Deletion.
Identifiers: ClinVar variation 1456621 (VCV001456621.4).

ClinVar aggregate classification (germline): Pathogenic (1 of 4 stars; one submission).

Conditions:
Combined oxidative phosphorylation defect type 17. Also called: Combined oxidative phosphorylation deficiency 17. Identifiers: Orphanet 369913, MedGen C3809526, MONDO:0014190, OMIM 615440.

Submission:

Labcorp Genetics (formerly Invitae), Labcorp
Classification: Pathogenic for Combined oxidative phosphorylation defect type 17. Last evaluated: 2021-09-29. Review status: criteria provided, single submitter. Criteria: Invitae Variant Classification Sherloc (09022015). Collection method: clinical testing. Allele origin: germline.
Comment: For these reasons, this variant has been classified as Pathogenic. This variant has not been reported in the literature in individuals affected with ELAC2-related conditions. This variant is a gross deletion of the genomic region encompassing exon(s) 2-3 of the ELAC2 gene. This deletion is out-of-frame, and is expected to create a premature translational stop signal and result in an absent or disrupted protein product. Loss-of-function variants in ELAC2 are known to be pathogenic (PMID: 27769300, 31045291).

Literature cited by the submitters: PubMed 27769300; PubMed 31045291.